The following is an entry in ClinVar:

ClinVar aggregate classification (germline): Uncertain significance (1 of 4 stars; one submission).

Conditions:
Emery-Dreifuss muscular dystrophy 5, autosomal dominant (EDMD5). Also called: EMERY-DREIFUSS MUSCULAR DYSTROPHY 5. Identifiers: Orphanet 261, MedGen C2751805, MONDO:0013072, OMIM 612999.

gnomAD v4.1: 47 of 1,614,006 alleles (0.0029%); highest among the groups gnomAD compares: Non-Finnish European, 0.0038%; no homozygotes.

Submission:

Labcorp Genetics (formerly Invitae), Labcorp
Classification: Uncertain significance for Emery-Dreifuss muscular dystrophy 5, autosomal dominant. Last evaluated: 2025-12-04. Review status: criteria provided, single submitter. Criteria: Invitae Variant Classification Sherloc (09022015). Collection method: clinical testing. Allele origin: germline.
Comment: This sequence change replaces glutamic acid, which is acidic and polar, with glycine, which is neutral and non-polar, at codon 1100 of the SYNE2 protein (p.Glu1100Gly). This variant is present in population databases (rs368903315, gnomAD 0.002%). This variant has not been reported in the literature in individuals affected with SYNE2-related conditions. An algorithm developed to predict the effect of missense changes on protein structure and function (PolyPhen-2) suggests that this variant is likely to be disruptive. Algorithms developed to predict the effect of sequence changes on RNA splicing suggest that this variant may disrupt the consensus splice site. In summary, the available evidence is currently insufficient to determine the role of this variant in disease. Therefore, it has been classified as a Variant of Uncertain Significance.

NM_182914.3(SYNE2):c.3299A>G (p.Glu1100Gly)

Gene: SYNE2 (spectrin repeat containing nuclear envelope protein 2; plus strand). Cytogenetic location: 14q23.2.
Variant type: single nucleotide variant.
Coding change: c.3299A>G on transcript NM_182914.3 (MANE Select); coding-DNA position 3299, A replaced by G.
Protein change: p.Glu1100Gly; replaces glutamic acid 1100 with glycine.
Molecular consequence: missense variant.
Genome position (GRCh38, 1-based): chr14:63,998,274, A>G. VCF-style: chr14-63998274-A-G. GRCh37 (hg19) VCF-style: chr14-64464992-A-G.
Other names: c.3299A>G, p.Glu1100Gly (NM_015180.6); short protein forms E1100G.
Identifiers: ClinVar variation 4798003 (VCV004798003.1).